The following is an entry in ClinVar:

ClinVar aggregate classification (germline): Uncertain significance (1 of 4 stars; one submission).

Submission:

GeneDx
Classification: Uncertain significance. Last evaluated: 2023-11-27. Review status: criteria provided, single submitter. Criteria: GeneDx Variant Classification Process June 2021. Collection method: clinical testing. Allele origin: germline. Affected: yes.
Comment: Has not been previously published as pathogenic or benign to our knowledge; Not observed at significant frequency in large population cohorts (gnomAD); In silico analysis supports that this missense variant has a deleterious effect on protein structure/function

NM_001110556.2(FLNA):c.286C>G (p.Arg96Gly)

Gene: FLNA (filamin A; minus strand). Cytogenetic location: Xq28.
Variant type: single nucleotide variant.
Coding change: c.286C>G on transcript NM_001110556.2 (MANE Select); coding-DNA position 286, C replaced by G.
Protein change: p.Arg96Gly; replaces arginine 96 with glycine.
Molecular consequence: missense variant.
Genome position (GRCh38, 1-based): chrX:154,370,960, G>C on the plus strand (C>G on the coding strand, the complement: FLNA is on the minus strand). VCF-style: chrX-154370960-G-C. GRCh37 (hg19) VCF-style: chrX-153599328-G-C.
Other names: c.286C>G, p.Arg96Gly (NM_001456.4); short protein forms R96G.
Identifiers: ClinVar variation 3364915 (VCV003364915.1).